The following is an entry in ClinVar:

NM_001742.4(CALCR):c.363T>C (p.His121=)

Gene: CALCR (calcitonin receptor; minus strand). Cytogenetic location: 7q21.3.
Variant type: single nucleotide variant.
Coding change: c.363T>C on transcript NM_001742.4 (MANE Select); coding-DNA position 363, T replaced by C.
Protein change: p.His121=; no amino-acid change (histidine 121 retained).
Molecular consequence: synonymous variant.
Genome position (GRCh38, 1-based): chr7:93,472,441, A>G on the plus strand (T>C on the coding strand, the complement: CALCR is on the minus strand). VCF-style: chr7-93472441-A-G. GRCh37 (hg19) VCF-style: chr7-93101753-A-G.
Other names: c.363T>C, p.His121= (NM_001164737.3, NM_001164738.2).
Identifiers: ClinVar variation 4875039 (VCV004875039.2).

ClinVar aggregate classification (germline): Likely benign (1 of 4 stars; one submission).

Submission:

CeGaT Center for Human Genetics Tuebingen
Classification: Likely benign. Last evaluated: 2026-06-01. Review status: criteria provided, single submitter. Criteria: CeGaT Center For Human Genetics Tuebingen Variant Classification Criteria Version 2. Collection method: clinical testing. Allele origin: germline. Affected: yes. Observed: 1 variant allele.
Comment: CALCR: PM2:Supporting, BP4, BP7